The following is an entry in ClinVar:

ClinVar aggregate classification (germline): Uncertain significance. Review status: criteria provided, multiple submitters, no conflicts (2 of 4 stars). 2 submissions from 2 submitters: Uncertain significance (2). Last evaluated 2025-06-17.

Conditions:
Inborn genetic diseases. Identifiers: MedGen C0950123, MeSH D030342.
Mosaic variegated aneuploidy syndrome 1 (MVA1). Also called: Warburton-Anyane-Yeboa syndrome. Identifiers: Orphanet 1052, MedGen C1850343, MONDO:0009759, OMIM 257300.

gnomAD v4.1: 1 of 1,613,906 alleles (0.000062%); highest among the groups gnomAD compares: Non-Finnish European, 0.000085%; no homozygotes.

Submissions (2):

St. Jude Molecular Pathology, St. Jude Children's Research Hospital
Classification: Uncertain significance for Mosaic variegated aneuploidy syndrome 1. Last evaluated: 2025-06-17. Review status: criteria provided, single submitter. Criteria: St. Jude Assertion Criteria 2020. Collection method: clinical testing. Allele origin: germline.
Comment: The BUB1B c.2690C>G p.(Pro897Arg) missense change is absent in gnomAD v2.1.1. The in silico tool REVEL predicts a benign effect on protein function, but to our knowledge this prediction has not been confirmed by functional studies. To our knowledge, this variant has not been reported in individuals with mosaic variegated aneuploidy syndrome. In summary, the evidence currently available is insufficient to determine the role of this variant in mosaic variegated aneuploidy syndrome. It has therefore been classified as of uncertain significance.

Ambry Genetics
Classification: Uncertain significance for Inborn genetic diseases. Last evaluated: 2023-11-14. Review status: criteria provided, single submitter. Criteria: Ambry Variant Classification Scheme 2023. Collection method: clinical testing. Allele origin: germline.
Comment: The p.P897R variant (also known as c.2690C>G), located in coding exon 21 of the BUB1B gene, results from a C to G substitution at nucleotide position 2690. The proline at codon 897 is replaced by arginine, an amino acid with dissimilar properties. This amino acid position is conserved. In addition, this alteration is predicted to be tolerated by in silico analysis. Since supporting evidence is limited at this time, the clinical significance of this alteration remains unclear.

NM_001211.6(BUB1B):c.2690C>G (p.Pro897Arg)

Genes: BUB1B (BUB1 mitotic checkpoint serine/threonine kinase B; plus strand), BUB1B-PAK6 (BUB1B-PAK6 readthrough; plus strand). Cytogenetic location: 15q15.1.
Variant type: single nucleotide variant.
Coding change: c.2690C>G on transcript NM_001211.6 (MANE Select); coding-DNA position 2690, C replaced by G.
Protein change: p.Pro897Arg; replaces proline 897 with arginine.
Molecular consequence: missense variant. On other transcripts: 5 prime UTR variant (2).
Genome position (GRCh38, 1-based): chr15:40,217,507, C>G. VCF-style: chr15-40217507-C-G. GRCh37 (hg19) VCF-style: chr15-40509708-C-G.
Other names: c.-361C>G (NM_001128628.3); c.-278C>G (NM_001128629.3); short protein forms P897R.
Identifiers: ClinVar variation 3221404 (VCV003221404.3), dbSNP rs2542584515, ClinGen allele CA391687426.